The following is an entry in ClinVar:

NM_006982.3(ALX1):c.689C>G (p.Ala230Gly)

Gene: ALX1 (ALX homeobox 1; plus strand). Cytogenetic location: 12q21.31.
Variant type: single nucleotide variant.
Coding change: c.689C>G on transcript NM_006982.3 (MANE Select); coding-DNA position 689, C replaced by G.
Protein change: p.Ala230Gly; replaces alanine 230 with glycine.
Molecular consequence: missense variant.
Genome position (GRCh38, 1-based): chr12:85,301,183, C>G. VCF-style: chr12-85301183-C-G. GRCh37 (hg19) VCF-style: chr12-85694961-C-G.
Other names: short protein forms A230G.
Identifiers: ClinVar variation 4795894 (VCV004795894.1).

ClinVar aggregate classification (germline): Likely benign (1 of 4 stars; one submission).

Conditions:
Frontonasal dysplasia - severe microphthalmia - severe facial clefting syndrome. Identifiers: Orphanet 306542, MedGen C3150706, MONDO:0013271, OMIM 613456.

gnomAD v4.1: 44 of 1,613,840 alleles (0.0027%); highest among the groups gnomAD compares: South Asian, 0.047%; no homozygotes.

Submission:

Centre for Medical Genetics,  Mumbai
Classification: Likely benign for Frontonasal dysplasia - severe microphthalmia - severe facial clefting syndrome. Last evaluated: 2026-02-20. Review status: criteria provided, single submitter. Criteria: ACMG Guidelines, 2015. Collection method: provider interpretation. Allele origin: germline. Inheritance: Autosomal recessive inheritance. Affected: no. Observed: 1 homozygote.
Comment: The variant satisfies PM2 criteria; Extremely low frequency in gnomAD population databases. However, the variant satisfies BS2 criteria.

Literature cited by the submitters: PubMed 20451171.